The following is an entry in ClinVar:

NM_020779.4(WDR35):c.2936G>A (p.Arg979Gln)

Gene: WDR35 (WD repeat domain 35; minus strand). Cytogenetic location: 2p24.1.
Variant type: single nucleotide variant.
Coding change: c.2936G>A on transcript NM_020779.4 (MANE Select); coding-DNA position 2936, G replaced by A.
Protein change: p.Arg979Gln; replaces arginine 979 with glutamine.
Molecular consequence: missense variant.
Genome position (GRCh38, 1-based): chr2:19,931,297, C>T on the plus strand (G>A on the coding strand, the complement: WDR35 is on the minus strand). VCF-style: chr2-19931297-C-T. GRCh37 (hg19) VCF-style: chr2-20131058-C-T.
Other names: c.2969G>A, p.Arg990Gln (NM_001006657.2); short protein forms R979Q, R990Q.
Identifiers: ClinVar variation 838113 (VCV000838113.14), dbSNP rs138076014, ClinGen allele CA1542800.

ClinVar aggregate classification (germline): Conflicting classifications of pathogenicity. Review status: criteria provided, conflicting classifications (1 of 4 stars). 3 submissions from 3 submitters: Uncertain significance (2); Likely benign (1). Last evaluated 2026-08-03.

Conditions:
Inborn genetic diseases. Identifiers: MedGen C0950123, MeSH D030342.
Cranioectodermal dysplasia 2 (CED2). Identifiers: Orphanet 1515, MedGen C3150874, MONDO:0013323, OMIM 613610.
Short-rib thoracic dysplasia 7 with or without polydactyly (SRTD7). Also called: Short rib polydactyly syndrome 5; SHORT-RIB THORACIC DYSPLASIA 7 WITH POLYDACTYLY. Identifiers: Orphanet 498497, Orphanet 93271, MedGen C3279792, MONDO:0013569, OMIM 614091.

Allele frequency attached by ClinVar (database versions not stated): 1000 Genomes Project 30x 0.00031; 1000 Genomes Project 0.00040; TOPMed 0.00040; ESP Exome Variant Server 0.00062; ExAC 0.00011; gnomAD exomes 0.00003 and 0.00008; gnomAD 0.00044 and 0.00047.
gnomAD v4.1: 116 of 1,612,500 alleles (0.0072%); highest among the groups gnomAD compares: African/African-American, 0.14%; no homozygotes.

Submissions (3):

GeneDx
Classification: Uncertain significance. Last evaluated: 2026-08-03. Review status: criteria provided, single submitter. Criteria: GeneDx Variant Classification Process June 2021. Collection method: clinical testing. Allele origin: germline.
Comment: In silico analysis suggests that this missense variant does not alter protein structure/function; Has not been previously published as pathogenic or benign to our knowledge

Labcorp Genetics (formerly Invitae), Labcorp
Classification: Likely benign for Cranioectodermal dysplasia 2; Short-rib thoracic dysplasia 7 with or without polydactyly. Last evaluated: 2025-06-12. Review status: criteria provided, single submitter. Criteria: Invitae Variant Classification Sherloc (09022015). Collection method: clinical testing. Allele origin: germline.

Ambry Genetics
Classification: Uncertain significance for Inborn genetic diseases. Last evaluated: 2021-12-07. Review status: criteria provided, single submitter. Criteria: Ambry Variant Classification Scheme 2023. Collection method: clinical testing. Allele origin: germline.